The following is an entry in ClinVar:

ClinVar aggregate classification (germline): Uncertain significance (1 of 4 stars; one submission).

Submission:

Labcorp Genetics (formerly Invitae), Labcorp
Classification: Uncertain significance. Last evaluated: 2024-10-28. Review status: criteria provided, single submitter. Criteria: Invitae Variant Classification Sherloc (09022015). Collection method: clinical testing. Allele origin: germline.
Comment: This sequence change replaces glycine, which is neutral and non-polar, with glutamic acid, which is acidic and polar, at codon 2461 of the KMT2A protein (p.Gly2461Glu). This variant is not present in population databases (gnomAD no frequency). This variant has not been reported in the literature in individuals affected with KMT2A-related conditions. Invitae Evidence Modeling of protein sequence and biophysical properties (such as structural, functional, and spatial information, amino acid conservation, physicochemical variation, residue mobility, and thermodynamic stability) indicates that this missense variant is not expected to disrupt KMT2A protein function with a negative predictive value of 95%. In summary, the available evidence is currently insufficient to determine the role of this variant in disease. Therefore, it has been classified as a Variant of Uncertain Significance.

NM_001197104.2(KMT2A):c.7382G>A (p.Gly2461Glu)

Gene: KMT2A (lysine methyltransferase 2A; plus strand). Cytogenetic location: 11q23.3.
Variant type: single nucleotide variant.
Coding change: c.7382G>A on transcript NM_001197104.2 (MANE Select); coding-DNA position 7382, G replaced by A.
Protein change: p.Gly2461Glu; replaces glycine 2461 with glutamic acid.
Molecular consequence: missense variant.
Genome position (GRCh38, 1-based): chr11:118,503,274, G>A. VCF-style: chr11-118503274-G-A. GRCh37 (hg19) VCF-style: chr11-118373989-G-A.
Other names: c.7472G>A, p.Gly2491Glu (NM_001412597.1); c.7373G>A, p.Gly2458Glu (NM_005933.4); short protein forms G2461E, G2491E, G2458E.
Identifiers: ClinVar variation 3634340 (VCV003634340.2).